The following is an entry in ClinVar:

ClinVar aggregate classification (germline): Uncertain significance. Review status: criteria provided, multiple submitters, no conflicts (2 of 4 stars). 2 submissions from 2 submitters: Uncertain significance (2). Last evaluated 2026-07-06.

Conditions:
Hereditary cancer-predisposing syndrome. Also called: Hereditary neoplastic syndrome; Neoplastic Syndromes, Hereditary; Tumor predisposition; Hereditary Cancer Syndrome. Identifiers: Orphanet 140162, MedGen C0027672, MeSH D009386, MONDO:0015356.
Pheochromocytoma. Also called: MAX-Related Hereditary Paraganglioma-Pheochromocytoma Syndrome. Identifiers: Orphanet 29072, MedGen C0031511, MONDO:0008233, OMIM 171300, HP:0002666.
Pheochromocytoma/paraganglioma syndrome 4. Also called: SDHB-Related Hereditary Paraganglioma-Pheochromocytoma Syndrome (Paragangliomas 4); SDHB-Related Hereditary Paraganglioma-Pheochromocytoma Syndrome; CAROTID BODY TUMORS AND MULTIPLE EXTRAADRENAL PHEOCHROMOCYTOMAS; PARAGANGLIOMA, FAMILIAL MALIGNANT; PARAGANGLIOMAS, HEREDITARY EXTRAADRENAL; PHEOCHROMOCYTOMA, FAMILIAL EXTRAADRENAL. Identifiers: Orphanet 29072, MedGen C1861848, MONDO:0007273, OMIM 115310.
Gastrointestinal stromal tumor. Also called: Gastrointestinal stroma tumor; Gastrointestinal stromal tumor, somatic. Identifiers: Orphanet 44890, MedGen C0238198, MeSH D046152, MONDO:0011719, OMIM 606764, HP:0100723.

Submissions (2):

Ambry Genetics
Classification: Uncertain significance for Hereditary cancer-predisposing syndrome. Last evaluated: 2026-07-06. Review status: criteria provided, single submitter. Criteria: Ambry Variant Classification Scheme 2023. Collection method: clinical testing. Allele origin: germline.
Comment: The p.L23P variant (also known as c.68T>C), located in coding exon 1 of the SDHB gene, results from a T to C substitution at nucleotide position 68. The leucine at codon 23 is replaced by proline, an amino acid with similar properties. This amino acid position is conserved. In addition, this alteration is predicted to be deleterious by in silico analysis. Based on the available evidence, the clinical significance of this variant remains unclear.

Labcorp Genetics (formerly Invitae), Labcorp
Classification: Uncertain significance for Gastrointestinal stromal tumor; Pheochromocytoma/paraganglioma syndrome 4; Pheochromocytoma. Last evaluated: 2023-03-26. Review status: criteria provided, single submitter. Criteria: Invitae Variant Classification Sherloc (09022015). Collection method: clinical testing. Allele origin: germline.
Comment: This sequence change replaces leucine, which is neutral and non-polar, with proline, which is neutral and non-polar, at codon 23 of the SDHB protein (p.Leu23Pro). This variant is not present in population databases (gnomAD no frequency). This variant has not been reported in the literature in individuals affected with SDHB-related conditions. ClinVar contains an entry for this variant (Variation ID: 1959069). Advanced modeling of protein sequence and biophysical properties (such as structural, functional, and spatial information, amino acid conservation, physicochemical variation, residue mobility, and thermodynamic stability) has been performed at Invitae for this missense variant, however the output from this modeling did not meet the statistical confidence thresholds required to predict the impact of this variant on SDHB protein function. In summary, the available evidence is currently insufficient to determine the role of this variant in disease. Therefore, it has been classified as a Variant of Uncertain Significance.

NM_003000.3(SDHB):c.68T>C (p.Leu23Pro)

Genes: SDHB (succinate dehydrogenase complex iron sulfur subunit B; minus strand), LOC129929542 (ATAC-STARR-seq lymphoblastoid active region 277; plus strand). Cytogenetic location: 1p36.13.
Variant type: single nucleotide variant.
Coding change: c.68T>C on transcript NM_003000.3 (MANE Select); coding-DNA position 68, T replaced by C.
Protein change: p.Leu23Pro; replaces leucine 23 with proline.
Molecular consequence: missense variant.
Genome position (GRCh38, 1-based): chr1:17,053,952, A>G on the plus strand (T>C on the coding strand, the complement: SDHB is on the minus strand). VCF-style: chr1-17053952-A-G. GRCh37 (hg19) VCF-style: chr1-17380447-A-G.
Other names: c.68T>C, p.Leu23Pro (NM_001407361.1); short protein forms L23P.
Identifiers: ClinVar variation 1959069 (VCV001959069.6), dbSNP rs2525082834, ClinGen allele CA338230604.